The following is an entry in ClinVar:

ClinVar aggregate classification (germline): Uncertain significance (1 of 4 stars; one submission).

Conditions:
Severe combined immunodeficiency due to DNA-PKcs deficiency. Also called: IMMUNODEFICIENCY 26 WITH NEUROLOGIC ABNORMALITIES; Immunodeficiency 26 with or without neurologic abnormalities. Identifiers: Orphanet 317425, MedGen C4014833, MONDO:0014423, OMIM 615966.

Allele frequency attached by ClinVar (database versions not stated): gnomAD exomes below 0.00001; TOPMed below 0.00001.
gnomAD v4.1: 4 of 1,613,888 alleles (0.00025%); highest among the groups gnomAD compares: South Asian, 0.0011%; no homozygotes.

Submission:

Labcorp Genetics (formerly Invitae), Labcorp
Classification: Uncertain significance for Severe combined immunodeficiency due to DNA-PKcs deficiency. Last evaluated: 2022-07-26. Review status: criteria provided, single submitter. Criteria: Invitae Variant Classification Sherloc (09022015). Collection method: clinical testing. Allele origin: germline.
Comment: In summary, the available evidence is currently insufficient to determine the role of this variant in disease. Therefore, it has been classified as a Variant of Uncertain Significance. Experimental studies and prediction algorithms are not available or were not evaluated, and the functional significance of this variant is currently unknown. This variant has not been reported in the literature in individuals affected with PRKDC-related conditions. This variant is not present in population databases (gnomAD no frequency). This sequence change replaces glycine, which is neutral and non-polar, with arginine, which is basic and polar, at codon 2048 of the PRKDC protein (p.Gly2048Arg).

NM_006904.7(PRKDC):c.6142G>A (p.Gly2048Arg)

Gene: PRKDC (protein kinase, DNA-activated, catalytic subunit; minus strand). Cytogenetic location: 8q11.21.
Variant type: single nucleotide variant.
Coding change: c.6142G>A on transcript NM_006904.7 (MANE Select); coding-DNA position 6142, G replaced by A.
Protein change: p.Gly2048Arg; replaces glycine 2048 with arginine.
Molecular consequence: missense variant.
Genome position (GRCh38, 1-based): chr8:47,859,676, C>T on the plus strand (G>A on the coding strand, the complement: PRKDC is on the minus strand). VCF-style: chr8-47859676-C-T. GRCh37 (hg19) VCF-style: chr8-48772237-C-T.
Other names: c.6142G>A, p.Gly2048Arg (NM_001081640.2); short protein forms G2048R.
Identifiers: ClinVar variation 2047220 (VCV002047220.4), dbSNP rs2088628854, ClinGen allele CA371161252.
Genomic context (GRCh38, chr8:47,859,676, plus strand): 5'-TCCGAAAACGACCAGTGGCAGGTCTAGGGTCTTGGGAGCTGTATGAATAGCTCTGAACTC[C>T]GGTTGAGAAATCAAATTGACTCATTTCCTCACTCAGGGTACTGTCTGCCAAATATGACAG-3'
Protein context (NP_008835.5, residues 2038-2058): EEMSQFDFST[Gly2048Arg]VQSYSYSSQD